The following is an entry in ClinVar:

ClinVar aggregate classification (germline): Uncertain significance (1 of 4 stars; one submission).

Conditions:
Rhabdoid tumor predisposition syndrome 2 (RTPS2). Identifiers: Orphanet 231108, Orphanet 69077, MedGen C2750074, MONDO:0013224, OMIM 613325.

Submission:

Labcorp Genetics (formerly Invitae), Labcorp
Classification: Uncertain significance for Rhabdoid tumor predisposition syndrome 2. Last evaluated: 2019-04-03. Review status: criteria provided, single submitter. Criteria: Invitae Variant Classification Sherloc (09022015). Collection method: clinical testing. Allele origin: germline.
Comment: Algorithms developed to predict the effect of missense changes on protein structure and function are either unavailable or do not agree on the potential impact of this missense change (SIFT: "Deleterious"; PolyPhen-2: "Possibly Damaging"; Align-GVGD: "Class C0"). This variant has not been reported in the literature in individuals with SMARCA4-related conditions. This variant is not present in population databases (ExAC no frequency). This sequence change replaces lysine with threonine at codon 760 of the SMARCA4 protein (p.Lys760Thr). The lysine residue is highly conserved and there is a moderate physicochemical difference between lysine and threonine. In summary, the available evidence is currently insufficient to determine the role of this variant in disease. Therefore, it has been classified as a Variant of Uncertain Significance.

NM_003072.5(SMARCA4):c.2279A>C (p.Lys760Thr)

Gene: SMARCA4 (SWI/SNF related BAF chromatin remodeling complex subunit ATPase 4; plus strand). Cytogenetic location: 19p13.2.
Variant type: single nucleotide variant.
Coding change: c.2279A>C on transcript NM_003072.5 (MANE Select); coding-DNA position 2279, A replaced by C.
Protein change: p.Lys760Thr; replaces lysine 760 with threonine.
Molecular consequence: missense variant. On other transcripts: non-coding transcript variant (1).
Genome position (GRCh38, 1-based): chr19:11,012,953, A>C. VCF-style: chr19-11012953-A-C. GRCh37 (hg19) VCF-style: chr19-11123629-A-C.
Other names: c.2279A>C, p.Lys760Thr (NM_001128844.3, NM_001128845.2, NM_001128846.2 and 4 more transcripts); short protein forms K760T.
Identifiers: ClinVar variation 848268 (VCV000848268.7), dbSNP rs2088998992, ClinGen allele CA404053008.
Genomic context (GRCh38, chr19:11,012,953, plus strand): 5'-CCCTCTGGTGTCCGACCCGGCCTTCAGTCCTGGCGTGGCCGCATCTGTCCTTGCAGATCA[A>C]AGGTTTGGAGTGGCTGGTGTCCCTGTACAACAACAACCTGAACGGCATCCTGGCCGACGA-3'
Protein context (NP_003063.2, residues 750-770): VNGVLKQYQI[Lys760Thr]GLEWLVSLYN